The following is an entry in ClinVar:

NM_020921.4(NIN):c.2616C>A (p.Ala872=)

Gene: NIN (ninein; minus strand). Cytogenetic location: 14q22.1.
Variant type: single nucleotide variant.
Coding change: c.2616C>A on transcript NM_020921.4 (MANE Select); coding-DNA position 2616, C replaced by A.
Protein change: p.Ala872=; no amino-acid change (alanine 872 retained).
Molecular consequence: synonymous variant. On other transcripts: intron variant (1).
Genome position (GRCh38, 1-based): chr14:50,758,414, G>T on the plus strand (C>A on the coding strand, the complement: NIN is on the minus strand). VCF-style: chr14-50758414-G-T. GRCh37 (hg19) VCF-style: chr14-51225132-G-T.
Other names: c.2616C>A, p.Ala872= (NM_182944.3, NM_182946.2); c.2399+1443C>A (NM_016350.5).
Identifiers: ClinVar variation 129782 (VCV000129782.19), dbSNP rs2073349, ClinGen allele CA154079.

ClinVar aggregate classification (germline): Benign. Review status: criteria provided, multiple submitters, no conflicts (2 of 4 stars). 5 submissions from 5 submitters: Benign (4). 1 of the submissions does not count toward it. Last evaluated 2026-02-04.

Conditions:
Seckel syndrome 7 (SCKL7). Identifiers: Orphanet 319675, MedGen C3553870, MONDO:0013922, OMIM 614851.

Allele frequency attached by ClinVar (database versions not stated): ESP Exome Variant Server 0.34107; gnomAD 0.35221 and 0.35486; TOPMed 0.36256; gnomAD exomes 0.36406 and 0.38639; ExAC 0.37749; 1000 Genomes Project 30x 0.38710; 1000 Genomes Project 0.38758.
gnomAD v4.1: 586,327 of 1,613,832 alleles (36%); highest among the groups gnomAD compares: East Asian, 51%; 108,286 homozygotes.

Submissions (5):

Labcorp Genetics (formerly Invitae), Labcorp
Classification: Benign. Last evaluated: 2026-02-04. Review status: criteria provided, single submitter. Criteria: Invitae Variant Classification Sherloc (09022015). Collection method: clinical testing. Allele origin: germline.

Genome-Nilou Lab
Classification: Benign for Seckel syndrome 7. Last evaluated: 2021-09-05. Review status: criteria provided, single submitter. Criteria: ACMG Guidelines, 2015. Collection method: clinical testing. Allele origin: germline. Affected: no.

GeneDx
Classification: Benign. Last evaluated: 2018-11-12. Review status: criteria provided, single submitter. Criteria: GeneDx Variant Classification Process June 2021. Collection method: clinical testing. Allele origin: germline. Affected: yes.

Breakthrough Genomics
Classification: Benign. Review status: criteria provided, single submitter. Criteria: ACMG Guidelines, 2015. Collection method: not provided. Allele origin: germline. Inheritance: Autosomal recessive inheritance. Affected: yes.

Genetic Services Laboratory, University of Chicago
Classification: Likely benign for AllHighlyPenetrant. Review status: no assertion criteria provided. Collection method: clinical testing. Allele origin: germline. Inheritance: Autosomal recessive inheritance. Not counted in ClinVar's aggregate classification.
Comment: Likely benign based on allele frequency in 1000 Genomes Project or ESP global frequency and its presence in a patient with a rare or unrelated disease phenotype. NOT Sanger confirmed.